The following is an entry in ClinVar:

NM_001110556.2(FLNA):c.1062_1063del (p.His354fs)

Gene: FLNA (filamin A; minus strand). Cytogenetic location: Xq28.
Variant type: Deletion.
Coding change: c.1062_1063del on transcript NM_001110556.2 (MANE Select); coding-DNA positions 1062 to 1063, 2 bases deleted (TA; older notation c.1062_1063delTA).
Protein change: p.His354fs; shifts the reading frame from histidine 354.
Molecular consequence: frameshift variant.
Genome position (GRCh38, 1-based): chrX:154,366,564-154,366,565, TA deleted on the plus strand (TA on the coding strand, the reverse complement: FLNA is on the minus strand); deleting any 2 consecutive bases within chrX:154,366,564-154,366,566 gives the same sequence; the c. name uses the placement nearest the transcript's 3' end. VCF-style (leftmost placement, unchanged base first): chrX-154366563-TTA-T. GRCh37 (hg19) VCF-style: chrX-153594931-TTA-T.
Other names: c.1062_1063del, p.His354fs (NM_001456.4); short protein forms H354fs.
Identifiers: ClinVar variation 2943091 (VCV002943091.3), dbSNP rs2522761716, ClinGen allele CA2740090193.

ClinVar aggregate classification (germline): Pathogenic (1 of 4 stars; one submission).

Conditions:
Oto-palato-digital syndrome, type II (OPD2). Also called: FACIOPALATOOSSEOUS SYNDROME; OPD II SYNDROME; Otopalatodigital Syndrome, Type II; Otopalatodigital Syndrome Type 2 (FLNA-OPD2). Identifiers: Orphanet 669, Orphanet 90652, MedGen C1844696, MONDO:0010571, OMIM 304120.
Heterotopia, periventricular, X-linked dominant (PVNH1). Also called: PERIVENTRICULAR NODULAR HETEROTOPIA 1; X-linked periventricular heterotopia; PERIVENTRICULAR NODULAR HETEROTOPIA 4; HETEROTOPIA, PERIVENTRICULAR, 1. Identifiers: Orphanet 2149, Orphanet 82004, MedGen C1848213, MONDO:0010233, OMIM 300049.
Frontometaphyseal dysplasia (FMD1). Identifiers: Orphanet 1826, MedGen C0265293, MONDO:0015942.
Melnick-Needles syndrome (MNS). Also called: MELNICK-NEEDLES OSTEODYSPLASTY; OSTEODYSPLASTY OF MELNICK AND NEEDLES; Melnick-Needles Syndrome (FLNA-MNS). Identifiers: Orphanet 2484, MedGen C0025237, MONDO:0010650, OMIM 309350.

Submission:

Labcorp Genetics (formerly Invitae), Labcorp
Classification: Pathogenic for Oto-palato-digital syndrome, type II; Heterotopia, periventricular, X-linked dominant; Frontometaphyseal dysplasia; Melnick-Needles syndrome. Last evaluated: 2023-01-11. Review status: criteria provided, single submitter. Criteria: Invitae Variant Classification Sherloc (09022015). Collection method: clinical testing. Allele origin: germline.
Comment: For these reasons, this variant has been classified as Pathogenic. This variant has not been reported in the literature in individuals affected with FLNA-related conditions. This variant is not present in population databases (gnomAD no frequency). This sequence change creates a premature translational stop signal (p.His354Glnfs*22) in the FLNA gene. It is expected to result in an absent or disrupted protein product. Loss-of-function variants in FLNA are known to be pathogenic (PMID: 16684786, 20730588, 26471271).

Literature cited by the submitters: PubMed 16684786; PubMed 20730588; PubMed 26471271.